The following is an entry in ClinVar:

ClinVar aggregate classification (germline): Uncertain significance (1 of 4 stars; one submission).

Conditions:
Neuropathy, hereditary sensory and autonomic, type 2A (HSAN2A). Also called: ACROOSTEOLYSIS, GIACCAI TYPE; ACROOSTEOLYSIS, NEUROGENIC; HSAN IIA; MORVAN DISEASE; NEUROPATHY, CONGENITAL SENSORY; NEUROPATHY, HEREDITARY SENSORY RADICULAR, AUTOSOMAL RECESSIVE. Identifiers: Orphanet 970, MedGen C2752089, MONDO:0024309, OMIM 201300.
Generalized epilepsy with febrile seizures plus, type 7 (GEFSP7). Also called: GEFS+, TYPE 7. Identifiers: Orphanet 36387, MedGen C2751778, MONDO:0013470, OMIM 613863.

Submission:

Labcorp Genetics (formerly Invitae), Labcorp
Classification: Uncertain significance for Neuropathy, hereditary sensory and autonomic, type 2A; Generalized epilepsy with febrile seizures plus, type 7. Last evaluated: 2025-12-20. Review status: criteria provided, single submitter. Criteria: Invitae Variant Classification Sherloc (09022015). Collection method: clinical testing. Allele origin: germline.
Comment: This variant, c.2815_2817del, results in the deletion of 1 amino acid(s) of the SCN9A protein (p.Met939del), but otherwise preserves the integrity of the reading frame. This variant is not present in population databases (gnomAD no frequency). This variant has not been reported in the literature in individuals affected with SCN9A-related conditions. Experimental studies and prediction algorithms are not available or were not evaluated, and the functional significance of this variant is currently unknown. In summary, the available evidence is currently insufficient to determine the role of this variant in disease. Therefore, it has been classified as a Variant of Uncertain Significance.

NM_001365536.1(SCN9A):c.2845ATG[1] (p.Met950del)

Genes: SCN9A (sodium voltage-gated channel alpha subunit 9; minus strand), SCN1A-AS1 (SCN1A and SCN9A antisense RNA 1; plus strand). Cytogenetic location: 2q24.3.
Variant type: Microsatellite.
Coding change: c.2845ATG[1] on transcript NM_001365536.1 (MANE Select); one copy of the 3-base unit ATG starting at c.2845; the reference has two copies in a row; one copy, 3 bases deleted.
Protein change: p.Met950del; deletes methionine 950.
Molecular consequence: inframe deletion. On other transcripts: inframe indel (1).
Genome position (GRCh38, 1-based): chr2:166,277,007-166,277,009, CAT deleted on the plus strand (ATG on the coding strand, the reverse complement: SCN9A is on the minus strand); deleting any 3 consecutive bases within chr2:166,277,007-166,277,012 gives the same sequence; the position shown is the placement nearest the transcript's 3' end. VCF-style (leftmost placement, unchanged base first): chr2-166277006-CCAT-C. GRCh37 (hg19) VCF-style: chr2-167133516-CCAT-C.
Other names: c.2812_2814ATG[1], p.Met939del (NM_002977.4); short protein forms M939del, M950del.
Identifiers: ClinVar variation 2147328 (VCV002147328.4), dbSNP rs2468001751, ClinGen allele CA2580614407.
Genomic context (GRCh38, chr2:166,277,006, plus strand): 5'-CAGAGAAATTAAAATGCATGAACATCTGGTTACATACCACCAGGTTTCCAATGACCATGA[CCAT>C]CATGTAAACAATAAGGCACATAGCTTGACCAGCGACCTCCATACAGTCCCACATGGTCTC-3'